The following is an entry in ClinVar:

NM_001374828.1(ARID1B):c.1194AGG[5] (p.Gly402_Ser403insGly)

Gene: ARID1B (AT-rich interaction domain 1B; plus strand). Cytogenetic location: 6q25.3.
Variant type: Microsatellite.
Coding change: c.1194AGG[5] on transcript NM_001374828.1 (MANE Select); five copies in a row of the 3-base unit AGG starting at c.1194; the reference has four copies in a row; one copy, 3 bases duplicated.
Protein change: p.Gly402_Ser403insGly.
Molecular consequence: inframe insertion.
Genome position (GRCh38, 1-based): chr6:156,778,883-156,778,885, AGG duplicated; duplicating any 3 consecutive bases within chr6:156,778,872-156,778,885 gives the same sequence; the position shown is the placement nearest the transcript's 3' end. VCF-style (leftmost placement, unchanged base first): chr6-156778871-C-CGGA. GRCh37 (hg19) VCF-style: chr6-157100005-C-CGGA.
Other names: c.954_956dup (NM_020732.3); c.1194AGG[5], p.Gly402_Ser403insGly (NM_001371656.1, NM_001374820.1, NM_017519.3).
Identifiers: ClinVar variation 589228 (VCV000589228.16), dbSNP rs587779748, ClinGen allele CA4066713.
Genomic context (GRCh38, chr6:156,778,871, plus strand): 5'-GTGCAACCATTATCCGGGCTACAGCCGGCCCGGCGCGGGCGGCGGCGGCGGCGGCGGCGG[C>CGGA]GGAGGAGGAGGAGGCAGCGGAGGAGGAGGAGGAGGAGGAGGAGCAGGAGCAGGAGGAGCA-3'

ClinVar aggregate classification (germline): Benign/Likely benign. Review status: criteria provided, multiple submitters, no conflicts (2 of 4 stars). 5 submissions from 5 submitters: Benign (1); Likely benign (3). 1 of the submissions does not count toward it. Last evaluated 2025-12-11.

Conditions:
Inborn genetic diseases. Identifiers: MedGen C0950123, MeSH D030342.
ARID1B-Related Disorder. Identifiers: MedGen CN381337.

Submissions (5):

Labcorp Genetics (formerly Invitae), Labcorp
Classification: Likely benign. Last evaluated: 2025-12-11. Review status: criteria provided, single submitter. Criteria: Invitae Variant Classification Sherloc (09022015). Collection method: clinical testing. Allele origin: germline.

Blueprint Genetics
Classification: Likely benign. Last evaluated: 2024-10-03. Review status: criteria provided, single submitter. Criteria: ACMG Guidelines, 2015. Collection method: clinical testing. Allele origin: germline.

GeneDx
Classification: Benign. Last evaluated: 2021-02-26. Review status: criteria provided, single submitter. Criteria: GeneDx Variant Classification Process June 2021. Collection method: clinical testing. Allele origin: germline. Affected: yes.

Ambry Genetics
Classification: Likely benign for Inborn genetic diseases. Last evaluated: 2017-05-31. Review status: criteria provided, single submitter. Criteria: Ambry Variant Classification Scheme 2023. Collection method: clinical testing. Allele origin: germline.

PreventionGenetics, part of Exact Sciences
Classification: Likely benign for ARID1B-related condition. Last evaluated: 2022-05-27. Review status: no assertion criteria provided. Collection method: clinical testing. Allele origin: germline. Not counted in ClinVar's aggregate classification.
Comment: This variant is classified as likely benign based on ACMG/AMP sequence variant interpretation guidelines (Richards et al. 2015 PMID: 25741868, with internal and published modifications).